The following is an entry in ClinVar:

NM_002949.4(MRPL12):c.465C>T (p.Gly155=)

Gene: MRPL12 (mitochondrial ribosomal protein L12; plus strand). Cytogenetic location: 17q25.3.
Variant type: single nucleotide variant.
Coding change: c.465C>T on transcript NM_002949.4 (MANE Select); coding-DNA position 465, C replaced by T.
Protein change: p.Gly155=; no amino-acid change (glycine 155 retained).
Molecular consequence: synonymous variant.
Genome position (GRCh38, 1-based): chr17:81,707,025, C>T. VCF-style: chr17-81707025-C-T. GRCh37 (hg19) VCF-style: chr17-79674055-C-T.
Identifiers: ClinVar variation 4694217 (VCV004694217.1).

ClinVar aggregate classification (germline): Uncertain significance (1 of 4 stars; one submission).

Submission:

Labcorp Genetics (formerly Invitae), Labcorp
Classification: Uncertain significance. Last evaluated: 2025-09-03. Review status: criteria provided, single submitter. Criteria: Invitae Variant Classification Sherloc (09022015). Collection method: clinical testing. Allele origin: germline.
Comment: This sequence change affects codon 155 of the MRPL12 mRNA. It is a 'silent' change, meaning that it does not change the encoded amino acid sequence of the MRPL12 protein. This variant is not present in population databases (gnomAD no frequency). This variant has not been reported in the literature in individuals affected with MRPL12-related conditions. Algorithms developed to predict the effect of sequence changes on RNA splicing suggest that this variant may disrupt the consensus splice site. In summary, the available evidence is currently insufficient to determine the role of this variant in disease. Therefore, it has been classified as a Variant of Uncertain Significance.